The following is an entry in ClinVar:

NM_005732.4(RAD50):c.1701G>C (p.Leu567Phe)

Gene: RAD50 (RAD50 double strand break repair protein; plus strand). Cytogenetic location: 5q31.1.
Variant type: single nucleotide variant.
Coding change: c.1701G>C on transcript NM_005732.4 (MANE Select); coding-DNA position 1701, G replaced by C.
Protein change: p.Leu567Phe; replaces leucine 567 with phenylalanine.
Molecular consequence: missense variant.
Genome position (GRCh38, 1-based): chr5:132,591,942, G>C. VCF-style: chr5-132591942-G-C. GRCh37 (hg19) VCF-style: chr5-131927634-G-C.
Other names: short protein forms L567F.
Identifiers: ClinVar variation 3429480 (VCV003429480.1).

ClinVar aggregate classification (germline): Uncertain significance (1 of 4 stars; one submission).

Conditions:
Hereditary cancer-predisposing syndrome. Also called: Neoplastic Syndromes, Hereditary; Tumor predisposition; Hereditary Cancer Syndrome; Hereditary neoplastic syndrome. Identifiers: Orphanet 140162, MedGen C0027672, MeSH D009386, MONDO:0015356.

Submission:

Ambry Genetics
Classification: Uncertain significance for Hereditary cancer-predisposing syndrome. Last evaluated: 2024-07-24. Review status: criteria provided, single submitter. Criteria: Ambry Variant Classification Scheme 2023. Collection method: clinical testing. Allele origin: germline.
Comment: The p.L567F variant (also known as c.1701G>C), located in coding exon 11 of the RAD50 gene, results from a G to C substitution at nucleotide position 1701. The leucine at codon 567 is replaced by phenylalanine, an amino acid with highly similar properties. This amino acid position is conserved. In addition, this alteration is predicted to be tolerated by in silico analysis. Based on the available evidence, the clinical significance of this variant remains unclear.